The following is an entry in ClinVar:

NM_000075.4(CDK4):c.278T>C (p.Phe93Ser)

Gene: CDK4 (cyclin dependent kinase 4; minus strand). Cytogenetic location: 12q14.1.
Variant type: single nucleotide variant.
Coding change: c.278T>C on transcript NM_000075.4 (MANE Select); coding-DNA position 278, T replaced by C.
Protein change: p.Phe93Ser; replaces phenylalanine 93 with serine.
Molecular consequence: missense variant.
Genome position (GRCh38, 1-based): chr12:57,751,283, A>G on the plus strand (T>C on the coding strand, the complement: CDK4 is on the minus strand). VCF-style: chr12-57751283-A-G. GRCh37 (hg19) VCF-style: chr12-58145066-A-G.
Other names: short protein forms F93S.
Identifiers: ClinVar variation 2442415 (VCV002442415.1), dbSNP rs2140387405, ClinGen allele CA385548036.

ClinVar aggregate classification (germline): Uncertain significance (1 of 4 stars; one submission).

Submission:

GeneDx
Classification: Uncertain significance. Last evaluated: 2022-08-29. Review status: criteria provided, single submitter. Criteria: GeneDx Variant Classification Process June 2021. Collection method: clinical testing. Allele origin: germline. Affected: yes.
Comment: Not observed at significant frequency in large population cohorts (gnomAD); In silico analysis supports that this missense variant has a deleterious effect on protein structure/function; Has not been previously published as pathogenic or benign to our knowledge